The following is an entry in ClinVar:

ClinVar aggregate classification (germline): Pathogenic (1 of 4 stars; one submission).

Submission:

Labcorp Genetics (formerly Invitae), Labcorp
Classification: Pathogenic. Last evaluated: 2023-04-12. Review status: criteria provided, single submitter. Criteria: Invitae Variant Classification Sherloc (09022015). Collection method: clinical testing. Allele origin: germline.
Comment: For these reasons, this variant has been classified as Pathogenic. This variant has not been reported in the literature in individuals affected with LMF1-related conditions. This variant is a gross deletion of the genomic region encompassing exon(s) 2 of the LMF1 gene. This deletion is out-of-frame, and is expected to create a premature termination codon and result in an absent or disrupted protein product. Loss-of-function variants in LMF1 are known to be pathogenic (PMID: 17994020, 19820022, 22239554).

Literature cited by the submitters: PubMed 17994020; PubMed 19820022; PubMed 22239554.

NC_000016.9:g.(?_1004337)_(1004686_?)del

Gene: LMF1 (lipase maturation factor 1; minus strand). Cytogenetic location: 16p13.3.
Variant type: Deletion.
Identifiers: ClinVar variation 2426772 (VCV002426772.4).